The following is an entry in ClinVar:

NM_022089.4(ATP13A2):c.1003G>T (p.Ala335Ser)

Gene: ATP13A2 (ATPase cation transporting 13A2; minus strand). Cytogenetic location: 1p36.13.
Variant type: single nucleotide variant.
Coding change: c.1003G>T on transcript NM_022089.4 (MANE Select); coding-DNA position 1003, G replaced by T.
Protein change: p.Ala335Ser; replaces alanine 335 with serine.
Molecular consequence: missense variant.
Genome position (GRCh38, 1-based): chr1:17,000,047, C>A on the plus strand (G>T on the coding strand, the complement: ATP13A2 is on the minus strand). VCF-style: chr1-17000047-C-A. GRCh37 (hg19) VCF-style: chr1-17326542-C-A.
Other names: c.988G>T, p.Ala330Ser (NM_001141973.3, NM_001141974.3); short protein forms A335S, A330S.
Identifiers: ClinVar variation 590063 (VCV000590063.5), dbSNP rs778596653, ClinGen allele CA338256638.
Genomic context (GRCh38, chr1:17,000,047, plus strand): 5'-GCAGGCCAGGGGCTGGGGGCTCACCTGTCAGAGAGCTCTCATTCACCATGCACTCGCCGG[C>A]CACCAGGGCGGCATCACAGGGCATCAGCCCACCCTCCTGGGGCAGCACCAGGCAGTCTCC-3'
Protein context (NP_071372.1, residues 325-345): GLMPCDAALV[Ala335Ser]GECMVNESSL

ClinVar aggregate classification (germline): Uncertain significance (1 of 4 stars; one submission).

Conditions:
Inborn genetic diseases. Identifiers: MedGen C0950123, MeSH D030342.

Submission:

Ambry Genetics
Classification: Uncertain significance for Inborn genetic diseases. Last evaluated: 2017-02-08. Review status: criteria provided, single submitter. Criteria: Ambry Variant Classification Scheme 2023. Collection method: clinical testing. Allele origin: germline.
Comment: The p.A335S variant (also known as c.1003G>T), located in coding exon 11 of the ATP13A2 gene, results from a G to T substitution at nucleotide position 1003. The alanine at codon 335 is replaced by serine, an amino acid with similar properties. This amino acid position is not well conserved in available vertebrate species. In addition, this alteration is predicted to be tolerated by in silico analysis. Since supporting evidence is limited at this time, the clinical significance of this alteration remains unclear.